The following is an entry in ClinVar:

ClinVar aggregate classification (germline): Likely pathogenic. Review status: criteria provided, single submitter (1 of 4 stars). 3 submissions from 3 submitters: Likely pathogenic (1). 2 of the submissions do not count toward it. Last evaluated 2024-07-08.

Allele frequency attached by ClinVar (database versions not stated): gnomAD exomes below 0.00001.

Submissions (3):

GeneDx
Classification: Likely pathogenic. Last evaluated: 2024-07-08. Review status: criteria provided, single submitter. Criteria: GeneDx Variant Classification Process June 2021. Collection method: clinical testing. Allele origin: germline.
Comment: Not observed at significant frequency in large population cohorts (gnomAD); In silico analysis supports that this missense variant has a deleterious effect on protein structure/function; This variant is associated with the following publications: (PMID: 19002718, 23074044, 11114740, 10835628, 24167460)

Clinical Genetics, Academic Medical Center
Classification: Pathogenic. Review status: no assertion criteria provided. Collection method: clinical testing. Allele origin: germline. Affected: yes. Study: VKGL Data-share Consensus. Not counted in ClinVar's aggregate classification.

Genome Diagnostics Laboratory, Amsterdam University Medical Center
Classification: Pathogenic. Review status: no assertion criteria provided. Collection method: clinical testing. Allele origin: germline. Affected: yes. Study: VKGL Data-share Consensus. Not counted in ClinVar's aggregate classification.

NM_182925.5(FLT4):c.3391G>C (p.Gly1131Arg)

Gene: FLT4 (fms related receptor tyrosine kinase 4; minus strand). Cytogenetic location: 5q35.3.
Variant type: single nucleotide variant.
Coding change: c.3391G>C on transcript NM_182925.5 (MANE Select); coding-DNA position 3391, G replaced by C.
Protein change: p.Gly1131Arg; replaces glycine 1131 with arginine.
Molecular consequence: missense variant.
Genome position (GRCh38, 1-based): chr5:180,613,051, C>G on the plus strand (G>C on the coding strand, the complement: FLT4 is on the minus strand). VCF-style: chr5-180613051-C-G. GRCh37 (hg19) VCF-style: chr5-180040051-C-G.
Other names: c.3391G>C, p.Gly1131Arg (NM_001354989.2, NM_002020.5); short protein forms G1131R.
Identifiers: ClinVar variation 1209909 (VCV001209909.6), dbSNP rs1554109707, ClinGen allele CA362499968.